The following is an entry in ClinVar:

ClinVar aggregate classification (germline): Uncertain significance. Review status: criteria provided, multiple submitters, no conflicts (2 of 4 stars). 2 submissions from 2 submitters: Uncertain significance (2). Last evaluated 2023-08-04.

Conditions:
Hereditary cancer-predisposing syndrome. Also called: Hereditary neoplastic syndrome; Neoplastic Syndromes, Hereditary; Tumor predisposition; Hereditary Cancer Syndrome. Identifiers: Orphanet 140162, MedGen C0027672, MeSH D009386, MONDO:0015356.
Ataxia-telangiectasia syndrome (AT). Also called: Ataxia telangiectasia (A-T); LOUIS-BAR SYNDROME; Cerebello-oculocutaneous telangiectasia; Immunodeficiency with ataxia telangiectasia; Ataxia-telangiectasia, complementation group D; AT, COMPLEMENTATION GROUP C. Identifiers: Orphanet 100, MedGen C0004135, MONDO:0008840, OMIM 208900.

Submissions (2):

Labcorp Genetics (formerly Invitae), Labcorp
Classification: Uncertain significance for Ataxia-telangiectasia syndrome. Last evaluated: 2023-08-04. Review status: criteria provided, single submitter. Criteria: Invitae Variant Classification Sherloc (09022015). Collection method: clinical testing. Allele origin: germline.
Comment: This variant is not present in population databases (gnomAD no frequency). This sequence change replaces leucine, which is neutral and non-polar, with arginine, which is basic and polar, at codon 2173 of the ATM protein (p.Leu2173Arg). In summary, the available evidence is currently insufficient to determine the role of this variant in disease. Therefore, it has been classified as a Variant of Uncertain Significance. An algorithm developed to predict the effect of missense changes on protein structure and function (PolyPhen-2) suggests that this variant is likely to be disruptive. ClinVar contains an entry for this variant (Variation ID: 1753989). This variant has not been reported in the literature in individuals affected with ATM-related conditions.

Ambry Genetics
Classification: Uncertain significance for Hereditary cancer-predisposing syndrome. Last evaluated: 2022-08-19. Review status: criteria provided, single submitter. Criteria: Ambry Variant Classification Scheme 2023. Collection method: clinical testing. Allele origin: germline.
Comment: The p.L2173R variant (also known as c.6518T>G), located in coding exon 44 of the ATM gene, results from a T to G substitution at nucleotide position 6518. The leucine at codon 2173 is replaced by arginine, an amino acid with dissimilar properties. This amino acid position is conserved. In addition, this alteration is predicted to be deleterious by in silico analysis. Since supporting evidence is limited at this time, the clinical significance of this alteration remains unclear.

NM_000051.4(ATM):c.6518T>G (p.Leu2173Arg)

Genes: C11orf65 (chromosome 11 open reading frame 65; minus strand), ATM (ATM serine/threonine kinase; plus strand). Cytogenetic location: 11q22.3.
Variant type: single nucleotide variant.
Coding change: c.6518T>G on transcript NM_000051.4 (MANE Select); coding-DNA position 6518, T replaced by G.
Protein change: p.Leu2173Arg; replaces leucine 2173 with arginine.
Molecular consequence: missense variant. On other transcripts: intron variant (2).
Genome position (GRCh38, 1-based): chr11:108,321,366, T>G. VCF-style: chr11-108321366-T-G. GRCh37 (hg19) VCF-style: chr11-108192093-T-G.
Other names: c.6518T>G, p.Leu2173Arg (NM_001351834.2); c.641-12295A>C (NM_001330368.2); c.*39-12295A>C (NM_001351110.2); short protein forms L2173R.
Identifiers: ClinVar variation 1753989 (VCV001753989.7), dbSNP rs1173542225, ClinGen allele CA382554162.